The following is an entry in ClinVar:

NM_005236.3(ERCC4):c.*2744T>A

Gene: ERCC4 (ERCC excision repair 4, endonuclease catalytic subunit; plus strand). Cytogenetic location: 16p13.12.
Variant type: single nucleotide variant.
Coding change: c.*2744T>A on transcript NM_005236.3 (MANE Select); 2744 bases downstream of the stop codon, T replaced by A.
Molecular consequence: 3 prime UTR variant.
Genome position (GRCh38, 1-based): chr16:13,951,091, T>A. VCF-style: chr16-13951091-T-A. GRCh37 (hg19) VCF-style: chr16-14044948-T-A.
Identifiers: ClinVar variation 886028 (VCV000886028.4), dbSNP rs12325236, ClinGen allele CA278487658.
Genomic context (GRCh38, chr16:13,951,091, plus strand): 5'-AAAATGGTCATTGTAAGTGAAAGCCTCTCGCTACCACTTCCTCTTCCAACTACATAAATA[T>A]ATTTCAATGTATTTCCAGTTTTGGAAAGTTTTCAATACATACATCAAGTGTTTACTTAGA-3'

ClinVar aggregate classification (germline): Benign (1 of 4 stars; one submission).

Conditions:
Xeroderma pigmentosum, group F (XPF). Also called: XERODERMA PIGMENTOSUM, TYPE F; Xeroderma pigmentosum, type 6; XERODERMA PIGMENTOSUM, COMPLEMENTATION GROUP F; XERODERMA PIGMENTOSUM VI; XP, GROUP F; ERCC4-Related Xeroderma Pigmentosum. Identifiers: MedGen C0268140, MONDO:0010215, OMIM 278760.

Allele frequency attached by ClinVar (database versions not stated): gnomAD exomes 0.00065; 1000 Genomes Project 0.00439; 1000 Genomes Project 30x 0.00547; TOPMed 0.00570.
gnomAD v4.1: 774 of 186,088 alleles (0.42%); highest among the groups gnomAD compares: African/African-American, 1.7%; 7 homozygotes.

Submission:

Illumina Laboratory Services, Illumina
Classification: Benign for Xeroderma pigmentosum, group F. Last evaluated: 2017-04-27. Review status: criteria provided, single submitter. Criteria: ICSL Variant Classification Criteria 13 December 2019. Collection method: clinical testing. Allele origin: germline.
Comment: This variant was observed as part of a predisposition screen in an ostensibly healthy population. A literature search was performed for the gene, cDNA change, and amino acid change (where applicable). No publications were found based on this search. Allele frequency data from public databases was too high to be consistent with this variant causing disease. Therefore, this variant is classified as benign.